The following is an entry in ClinVar:

ClinVar aggregate classification (germline): Likely benign (1 of 4 stars; one submission).

Allele frequency attached by ClinVar (database versions not stated): gnomAD exomes below 0.00001; TOPMed below 0.00001; ExAC 0.00001.
gnomAD v4.1: 1 of 1,591,486 alleles (0.000063%); highest among the groups gnomAD compares: Admixed American, 0.0017%; no homozygotes.

Submission:

GeneDx
Classification: Likely benign. Last evaluated: 2016-03-09. Review status: criteria provided, single submitter. Criteria: GeneDx Variant Classification (06012015). Collection method: clinical testing. Allele origin: germline. Affected: yes.
Comment: This variant is considered likely benign or benign based on one or more of the following criteria: it is a conservative change, it occurs at a poorly conserved position in the protein, it is predicted to be benign by multiple in silico algorithms, and/or has population frequency not consistent with disease.

NM_000075.4(CDK4):c.*12G>C

Genes: CDK4 (cyclin dependent kinase 4; minus strand), TSPAN31 (tetraspanin 31; plus strand). Cytogenetic location: 12q14.1.
Variant type: single nucleotide variant.
Coding change: c.*12G>C on transcript NM_000075.4 (MANE Select); 12 bases downstream of the stop codon, G replaced by C.
Molecular consequence: 3 prime UTR variant.
Genome position (GRCh38, 1-based): chr12:57,748,513, C>G on the plus strand (G>C on the coding strand, the complement: CDK4 is on the minus strand). VCF-style: chr12-57748513-C-G. GRCh37 (hg19) VCF-style: chr12-58142296-C-G.
Other names: c.*1223C>G (NM_001330168.2, NM_001330169.2, NM_005981.5).
Identifiers: ClinVar variation 384740 (VCV000384740.2), dbSNP rs770044583, ClinGen allele CA6657617.